The following is an entry in ClinVar:

NM_000077.5(CDKN2A):c.423C>A (p.Asn141Lys)

Gene: CDKN2A (cyclin dependent kinase inhibitor 2A; minus strand). Cytogenetic location: 9p21.3.
Variant type: single nucleotide variant.
Coding change: c.423C>A on transcript NM_000077.5; coding-DNA position 423, C replaced by A.
Protein change: p.Asn141Lys; replaces asparagine 141 with lysine.
Molecular consequence: missense variant (on NM_000077.6). On other transcripts: 3 prime UTR variant (2).
Genome position (GRCh38, 1-based): chr9:21,970,936, G>T on the plus strand (C>A on the coding strand, the complement: CDKN2A is on the minus strand). VCF-style: chr9-21970936-G-T. GRCh37 (hg19) VCF-style: chr9-21970935-G-T.
Other names: c.423C>A, p.Asn141Lys (NM_000077.6, NM_001195132.2); c.270C>A, p.Asn90Lys (NM_001363763.2); c.*67C>A (NM_058195.4); c.*346C>A (NM_058197.5); short protein forms N141K, N90K.
Identifiers: ClinVar variation 953252 (VCV000953252.11), dbSNP rs1819683853, ClinGen allele CA373085869.

ClinVar aggregate classification (germline): Conflicting classifications of pathogenicity. Review status: criteria provided, conflicting classifications (1 of 4 stars). 2 submissions from 2 submitters: Uncertain significance (1); Likely benign (1). Last evaluated 2025-12-08.

Conditions:
Hereditary cancer-predisposing syndrome. Also called: Neoplastic Syndromes, Hereditary; Tumor predisposition; Hereditary neoplastic syndrome; Hereditary Cancer Syndrome. Identifiers: Orphanet 140162, MedGen C0027672, MeSH D009386, MONDO:0015356.
Familial melanoma. Also called: Hereditary melanoma; Hereditary cutaneous melanoma. Identifiers: Orphanet 618, MedGen C1512419, MONDO:0018961.

Submissions (2):

Labcorp Genetics (formerly Invitae), Labcorp
Classification: Uncertain significance for Familial melanoma. Last evaluated: 2025-12-08. Review status: criteria provided, single submitter. Criteria: Invitae Variant Classification Sherloc (09022015). Collection method: clinical testing. Allele origin: germline.
Comment: This sequence change replaces asparagine, which is neutral and polar, with lysine, which is basic and polar, at codon 141 of the CDKN2A (p16INK4a) protein (p.Asn141Lys). This variant is not present in population databases (gnomAD no frequency). This variant has not been reported in the literature in individuals affected with CDKN2A (p16INK4a)-related conditions. ClinVar contains an entry for this variant (Variation ID: 953252). An algorithm developed to predict the effect of missense changes on protein structure and function outputs the following: PolyPhen-2: "Benign". The lysine amino acid residue is found in multiple mammalian species, which suggests that this missense change does not adversely affect protein function. In summary, the available evidence is currently insufficient to determine the role of this variant in disease. Therefore, it has been classified as a Variant of Uncertain Significance.

Ambry Genetics
Classification: Likely benign for Hereditary cancer-predisposing syndrome. Last evaluated: 2024-11-15. Review status: criteria provided, single submitter. Criteria: Ambry Variant Classification Scheme 2023. Collection method: clinical testing. Allele origin: germline.